The following is an entry in ClinVar:

ClinVar aggregate classification (germline): Pathogenic. Review status: criteria provided, single submitter (1 of 4 stars). 2 submissions from 2 submitters: Pathogenic (1). 1 of the submissions does not count toward it. Last evaluated 2015-05-06.

Conditions:
Gastric cancer. Also called: Stomach cancer; Malignant tumor of stomach. Identifiers: MedGen C0024623, MeSH D013274, MONDO:0001056, OMIM 613659, HP:0012126.
Hereditary cancer-predisposing syndrome. Also called: Neoplastic Syndromes, Hereditary; Hereditary neoplastic syndrome; Hereditary Cancer Syndrome; Tumor predisposition. Identifiers: Orphanet 140162, MedGen C0027672, MeSH D009386, MONDO:0015356.

Submissions (2):

Ambry Genetics
Classification: Pathogenic for Hereditary cancer-predisposing syndrome. Last evaluated: 2015-05-06. Review status: criteria provided, single submitter. Criteria: Ambry Variant Classification Scheme 2023. Collection method: clinical testing. Allele origin: germline.
Comment: The c.745_749delCCTTT pathogenic mutation, located in coding exon 4 of the PALB2 gene, results from a deletion of 5 nucleotides between positions 745 and 749 causing a translational frameshift with a predicted alternate stop codon. Since frameshifts are typically deleterious in nature, this alteration is interpreted as a disease-causing mutation (ACMG Recommendations for Standards for Interpretation and Reporting of Sequence Variations. Revision 2007. Genet Med. 2008;10:294).

Laboratory for Genotyping Development, RIKEN
Classification: Pathogenic for Gastric cancer. Last evaluated: 2021-07-01. Review status: no assertion criteria provided. Collection method: research. Allele origin: germline. Not counted in ClinVar's aggregate classification.

Literature cited by the submitters: PubMed 36988593 (cited by Laboratory for Genotyping Development, RIKEN).

NM_024675.4(PALB2):c.745_749del (p.Pro249fs)

Gene: PALB2 (partner and localizer of BRCA2; minus strand). Cytogenetic location: 16p12.2.
Variant type: Deletion.
Coding change: c.745_749del on transcript NM_024675.4 (MANE Select); coding-DNA positions 745 to 749, 5 bases deleted (CCTTT; older notation c.745_749delCCTTT).
Protein change: p.Pro249fs; shifts the reading frame from proline 249.
Molecular consequence: frameshift variant.
Genome position (GRCh38, 1-based): chr16:23,635,797-23,635,801, AAAGG deleted on the plus strand (CCTTT on the coding strand, the reverse complement: PALB2 is on the minus strand); deleting any 5 consecutive bases within chr16:23,635,797-23,635,803 gives the same sequence; the c. name uses the placement nearest the transcript's 3' end. VCF-style (leftmost placement, unchanged base first): chr16-23635796-TAAAGG-T. GRCh37 (hg19) VCF-style: chr16-23647117-TAAAGG-T.
Other names: c.745_749delCCTTT (NM_024675.3); short protein forms P249fs.
Identifiers: ClinVar variation 231731 (VCV000231731.23), dbSNP rs876659326, ClinGen allele CA10580031.